The following is an entry in ClinVar:

ClinVar aggregate classification (germline): Uncertain significance (1 of 4 stars; one submission).

Conditions:
Hereditary cancer-predisposing syndrome. Also called: Hereditary Cancer Syndrome; Hereditary neoplastic syndrome; Neoplastic Syndromes, Hereditary; Tumor predisposition. Identifiers: Orphanet 140162, MedGen C0027672, MeSH D009386, MONDO:0015356.

Submission:

Ambry Genetics
Classification: Uncertain significance for Hereditary cancer-predisposing syndrome. Last evaluated: 2025-07-17. Review status: criteria provided, single submitter. Criteria: Ambry Variant Classification Scheme 2023. Collection method: clinical testing. Allele origin: germline.
Comment: The p.V7L variant (also known as c.19G>C), located in coding exon 1 of the CDC73 gene, results from a G to C substitution at nucleotide position 19. The valine at codon 7 is replaced by leucine, an amino acid with highly similar properties. This amino acid position is conserved. In addition, the in silico prediction for this alteration is inconclusive. Based on the available evidence, the clinical significance of this variant remains unclear.

NM_024529.5(CDC73):c.19G>C (p.Val7Leu)

Gene: CDC73 (cell division cycle 73; plus strand). Cytogenetic location: 1q31.2.
Variant type: single nucleotide variant.
Coding change: c.19G>C on transcript NM_024529.5 (MANE Select); coding-DNA position 19, G replaced by C.
Protein change: p.Val7Leu; replaces valine 7 with leucine.
Molecular consequence: missense variant.
Genome position (GRCh38, 1-based): chr1:193,122,219, G>C. VCF-style: chr1-193122219-G-C. GRCh37 (hg19) VCF-style: chr1-193091349-G-C.
Other names: short protein forms V7L.
Identifiers: ClinVar variation 4223476 (VCV004223476.1).